The following is an entry in ClinVar:

ClinVar aggregate classification (germline): Conflicting classifications of pathogenicity. Review status: criteria provided, conflicting classifications (1 of 4 stars). 2 submissions from 2 submitters: Uncertain significance (1); Likely benign (1). Last evaluated 2026-05-12.

Conditions:
Long QT syndrome (LQTS). Identifiers: MedGen C0023976, MeSH D008133, MONDO:0002442. Disease mechanism: loss of function. Inheritance: Various modes of inheritance.
Cardiovascular phenotype. Identifiers: MedGen CN230736.

gnomAD v4.1: 18 of 1,613,782 alleles (0.0011%); highest among the groups gnomAD compares: Non-Finnish European, 0.0015%; no homozygotes.

Submissions (2):

Ambry Genetics
Classification: Likely benign for Cardiovascular phenotype. Last evaluated: 2026-05-12. Review status: criteria provided, single submitter. Criteria: Ambry Variant Classification Scheme 2023. Collection method: clinical testing. Allele origin: germline.

Labcorp Genetics (formerly Invitae), Labcorp
Classification: Uncertain significance for Long QT syndrome. Last evaluated: 2025-08-11. Review status: criteria provided, single submitter. Criteria: Invitae Variant Classification Sherloc (09022015). Collection method: clinical testing. Allele origin: germline.
Comment: This sequence change replaces leucine, which is neutral and non-polar, with phenylalanine, which is neutral and non-polar, at codon 2128 of the AKAP9 protein (p.Leu2128Phe). This variant is not present in population databases (gnomAD no frequency). This variant has not been reported in the literature in individuals affected with AKAP9-related conditions. An algorithm developed to predict the effect of missense changes on protein structure and function (PolyPhen-2) suggests that this variant is likely to be disruptive. In summary, the available evidence is currently insufficient to determine the role of this variant in disease. Therefore, it has been classified as a Variant of Uncertain Significance.

NM_005751.5(AKAP9):c.6382C>T (p.Leu2128Phe)

Gene: AKAP9 (A-kinase anchoring protein 9; plus strand). Cytogenetic location: 7q21.2.
Variant type: single nucleotide variant.
Coding change: c.6382C>T on transcript NM_005751.5 (MANE Select); coding-DNA position 6382, C replaced by T.
Protein change: p.Leu2128Phe; replaces leucine 2128 with phenylalanine.
Molecular consequence: missense variant.
Genome position (GRCh38, 1-based): chr7:92,070,081, C>T. VCF-style: chr7-92070081-C-T. GRCh37 (hg19) VCF-style: chr7-91699395-C-T.
Other names: c.1027C>T, p.Leu343Phe (NM_001379277.1); c.6382C>T, p.Leu2128Phe (NM_147185.3); short protein forms L2128F, L343F.
Identifiers: ClinVar variation 4798679 (VCV004798679.2).